The following is an entry in ClinVar:

NM_000363.5(TNNI3):c.502G>T (p.Asp168Tyr)

Gene: TNNI3 (troponin I3, cardiac type; minus strand). Cytogenetic location: 19q13.42.
Variant type: single nucleotide variant.
Coding change: c.502G>T on transcript NM_000363.5 (MANE Select); coding-DNA position 502, G replaced by T.
Protein change: p.Asp168Tyr; replaces aspartic acid 168 with tyrosine.
Molecular consequence: missense variant.
Genome position (GRCh38, 1-based): chr19:55,154,077, C>A on the plus strand (G>T on the coding strand, the complement: TNNI3 is on the minus strand). VCF-style: chr19-55154077-C-A. GRCh37 (hg19) VCF-style: chr19-55665445-C-A.
Other names: short protein forms D168Y.
Identifiers: ClinVar variation 1716757 (VCV001716757.5), dbSNP rs1085308019, ClinGen allele CA407440314.

ClinVar aggregate classification (germline): Uncertain significance (1 of 4 stars; one submission).

Conditions:
Hypertrophic cardiomyopathy. Also called: HYPERTROPHIC MYOCARDIOPATHY. Identifiers: Orphanet 217569, MedGen C0007194, MeSH D002312, MONDO:0005045, HP:0001639.

Submission:

Labcorp Genetics (formerly Invitae), Labcorp
Classification: Uncertain significance for Hypertrophic cardiomyopathy. Last evaluated: 2022-08-19. Review status: criteria provided, single submitter. Criteria: Invitae Variant Classification Sherloc (09022015). Collection method: clinical testing. Allele origin: germline.
Comment: In summary, the available evidence is currently insufficient to determine the role of this variant in disease. Therefore, it has been classified as a Variant of Uncertain Significance. Algorithms developed to predict the effect of missense changes on protein structure and function (SIFT, PolyPhen-2, Align-GVGD) all suggest that this variant is likely to be disruptive. This variant has not been reported in the literature in individuals affected with TNNI3-related conditions. This variant is not present in population databases (gnomAD no frequency). This sequence change replaces aspartic acid, which is acidic and polar, with tyrosine, which is neutral and polar, at codon 168 of the TNNI3 protein (p.Asp168Tyr).